The following is an entry in ClinVar:

NM_000214.3(JAG1):c.2288G>T (p.Gly763Val)

Gene: JAG1 (jagged canonical Notch ligand 1; minus strand). Cytogenetic location: 20p12.2.
Variant type: single nucleotide variant.
Coding change: c.2288G>T on transcript NM_000214.3 (MANE Select); coding-DNA position 2288, G replaced by T.
Protein change: p.Gly763Val; replaces glycine 763 with valine.
Molecular consequence: missense variant.
Genome position (GRCh38, 1-based): chr20:10,644,919, C>A on the plus strand (G>T on the coding strand, the complement: JAG1 is on the minus strand). VCF-style: chr20-10644919-C-A. GRCh37 (hg19) VCF-style: chr20-10625567-C-A.
Other names: c.2288G>T (NM_000214.2); short protein forms G763V.
Identifiers: ClinVar variation 3242249 (VCV003242249.4), dbSNP rs2514512938.

ClinVar aggregate classification (germline): Uncertain significance. Review status: criteria provided, multiple submitters, no conflicts (2 of 4 stars). 3 submissions from 3 submitters: Uncertain significance (3). Last evaluated 2025-02-13.

Conditions:
Alagille syndrome due to a JAG1 point mutation. Also called: HEPATIC DUCTULAR HYPOPLASIA, SYNDROMATIC; Alagille Syndrome 1; JAG1-Related Alagille Syndrome. Identifiers: Orphanet 261619, Orphanet 52, MedGen C1956125, MONDO:0016862, OMIM 118450.

Allele frequency attached by ClinVar (database versions not stated): gnomAD exomes below 0.00001.
gnomAD v4.1: 3 of 1,614,160 alleles (0.00019%); highest among the groups gnomAD compares: Non-Finnish European, 0.00025%; no homozygotes.

Submissions (3):

Labcorp Genetics (formerly Invitae), Labcorp
Classification: Uncertain significance for Alagille syndrome due to a JAG1 point mutation. Last evaluated: 2025-02-13. Review status: criteria provided, single submitter. Criteria: Invitae Variant Classification Sherloc (09022015). Collection method: clinical testing. Allele origin: germline.
Comment: This sequence change replaces glycine, which is neutral and non-polar, with valine, which is neutral and non-polar, at codon 763 of the JAG1 protein (p.Gly763Val). This variant is not present in population databases (gnomAD no frequency). This variant has not been reported in the literature in individuals affected with JAG1-related conditions. ClinVar contains an entry for this variant (Variation ID: 3242249). Invitae Evidence Modeling of protein sequence and biophysical properties (such as structural, functional, and spatial information, amino acid conservation, physicochemical variation, residue mobility, and thermodynamic stability) has been performed for this missense variant. However, the output from this modeling did not meet the statistical confidence thresholds required to predict the impact of this variant on JAG1 protein function. In summary, the available evidence is currently insufficient to determine the role of this variant in disease. Therefore, it has been classified as a Variant of Uncertain Significance.

GeneDx
Classification: Uncertain significance. Last evaluated: 2024-09-26. Review status: criteria provided, single submitter. Criteria: GeneDx Variant Classification Process June 2021. Collection method: clinical testing. Allele origin: germline. Affected: yes.
Comment: Not observed at significant frequency in large population cohorts (gnomAD); In silico analysis supports that this missense variant has a deleterious effect on protein structure/function; Has not been previously published as pathogenic or benign to our knowledge

Department of Human Genetics, Hannover Medical School
Classification: Uncertain significance for Alagille syndrome due to a JAG1 point mutation. Last evaluated: 2024-06-18. Review status: criteria provided, single submitter. Criteria: ACMG Guidelines, 2015. Collection method: clinical testing. Allele origin: germline. Inheritance: Autosomal dominant inheritance. Affected: yes.